The following is an entry in ClinVar:

NM_153006.3(NAGS):c.706G>T (p.Gly236Cys)

Gene: NAGS (N-acetylglutamate synthase; plus strand). Cytogenetic location: 17q21.31.
Variant type: single nucleotide variant.
Coding change: c.706G>T on transcript NM_153006.3 (MANE Select); coding-DNA position 706, G replaced by T.
Protein change: p.Gly236Cys; replaces glycine 236 with cysteine.
Molecular consequence: missense variant.
Genome position (GRCh38, 1-based): chr17:44,006,028, G>T. VCF-style: chr17-44006028-G-T. GRCh37 (hg19) VCF-style: chr17-42083396-G-T.
Other names: short protein forms G236C.
Identifiers: ClinVar variation 3768581 (VCV003768581.1).

ClinVar aggregate classification (germline): Uncertain significance (1 of 4 stars; one submission).

Submission:

Women's Health and Genetics/Laboratory Corporation of America, LabCorp
Classification: Uncertain significance. Last evaluated: 2025-02-12. Review status: criteria provided, single submitter. Criteria: LabCorp Variant Classification Summary - May 2015. Collection method: clinical testing. Allele origin: germline.
Comment: Variant summary: NAGS c.706G>T (p.Gly236Cys) results in a non-conservative amino acid change located in the Amino acid kinase family domain (IPR001048) of the encoded protein sequence. Five of five in-silico tools predict a damaging effect of the variant on protein function. The variant allele was found at a frequency of 4.5e-06 in 221890 control chromosomes. The available data on variant occurrences in the general population are insufficient to allow any conclusion about variant significance. To our knowledge, c.706G>T has not been reported in the literature in individuals affected with Hyperammonemia, type III and no experimental evidence demonstrating an impact on protein function has been reported. No submitters have cited clinical-significance assessments for this variant to ClinVar. Based on the evidence outlined above, the variant was classified as uncertain significance.

Literature cited by the submitters: PubMed 17421020.